The following is an entry in ClinVar:

NM_000371.4(TTR):c.187C>G (p.Pro63Ala)

Gene: TTR (transthyretin; plus strand). Cytogenetic location: 18q12.1.
Variant type: single nucleotide variant.
Coding change: c.187C>G on transcript NM_000371.4 (MANE Select); coding-DNA position 187, C replaced by G.
Protein change: p.Pro63Ala; replaces proline 63 with alanine.
Molecular consequence: missense variant.
Genome position (GRCh38, 1-based): chr18:31,593,013, C>G. VCF-style: chr18-31593013-C-G. GRCh37 (hg19) VCF-style: chr18-29172976-C-G.
Other names: short protein forms P63A.
Identifiers: ClinVar variation 4076816 (VCV004076816.1).

ClinVar aggregate classification (germline): Uncertain significance (1 of 4 stars; one submission).

gnomAD v4.1: 1 of 1,613,940 alleles (0.000062%); no homozygotes.

Submission:

GeneDx
Classification: Uncertain significance. Last evaluated: 2025-02-25. Review status: criteria provided, single submitter. Criteria: GeneDx Variant Classification Process June 2021. Collection method: clinical testing. Allele origin: germline. Affected: yes.
Comment: Has not been previously published as pathogenic or benign to our knowledge; Not observed at significant frequency in large population cohorts (gnomAD); In silico analysis indicates that this missense variant does not alter protein structure/function